The following is an entry in ClinVar:

NM_032578.4(MYPN):c.818A>T (p.Gln273Leu)

Gene: MYPN (myopalladin; plus strand). Cytogenetic location: 10q21.3.
Variant type: single nucleotide variant.
Coding change: c.818A>T on transcript NM_032578.4 (MANE Select); coding-DNA position 818, A replaced by T.
Protein change: p.Gln273Leu; replaces glutamine 273 with leucine.
Molecular consequence: missense variant. On other transcripts: 5 prime UTR variant (1), non-coding transcript variant (1).
Genome position (GRCh38, 1-based): chr10:68,122,256, A>T. VCF-style: chr10-68122256-A-T. GRCh37 (hg19) VCF-style: chr10-69882013-A-T.
Other names: c.818A>T, p.Gln273Leu (NM_001256267.2); c.-305A>T (NM_001256268.2); short protein forms Q273L.
Identifiers: ClinVar variation 4994591 (VCV004994591.1).

ClinVar aggregate classification (germline): Uncertain significance (1 of 4 stars; one submission).

Conditions:
MYPN-related disorder. Also called: MYPN-related condition.

Submission:

PreventionGenetics, part of Exact Sciences
Classification: Uncertain significance for MYPN-related condition. Last evaluated: 2026-01-17. Review status: criteria provided, single submitter. Criteria: ACMG Guidelines, 2015. Collection method: clinical testing. Allele origin: germline.
Comment: The MYPN c.818A>T variant is predicted to result in the amino acid substitution p.Gln273Leu. To our knowledge, this variant has not been reported in the literature or in a large population database (gnomAD), indicating this variant is rare. At this time, the clinical significance of this variant is uncertain due to the absence of conclusive functional and genetic evidence.